The following is an entry in ClinVar:

NM_005359.6(SMAD4):c.1154A>C (p.Lys385Thr)

Gene: SMAD4 (SMAD family member 4; plus strand). Cytogenetic location: 18q21.2.
Variant type: single nucleotide variant.
Coding change: c.1154A>C on transcript NM_005359.6 (MANE Select); coding-DNA position 1154, A replaced by C.
Protein change: p.Lys385Thr; replaces lysine 385 with threonine.
Molecular consequence: missense variant.
Genome position (GRCh38, 1-based): chr18:51,067,033, A>C. VCF-style: chr18-51067033-A-C. GRCh37 (hg19) VCF-style: chr18-48593403-A-C.
Other names: short protein forms K385T.
Identifiers: ClinVar variation 1520056 (VCV001520056.8), dbSNP rs923348055, ClinGen allele CA402464739.

ClinVar aggregate classification (germline): Uncertain significance (1 of 4 stars; one submission).

Conditions:
Juvenile polyposis syndrome (JPS). Identifiers: Orphanet 2929, MedGen C0345893, MONDO:0017380, OMIM 174900.

Submission:

Labcorp Genetics (formerly Invitae), Labcorp
Classification: Uncertain significance for Juvenile polyposis syndrome. Last evaluated: 2022-11-01. Review status: criteria provided, single submitter. Criteria: Invitae Variant Classification Sherloc (09022015). Collection method: clinical testing. Allele origin: germline.
Comment: In summary, the available evidence is currently insufficient to determine the role of this variant in disease. Therefore, it has been classified as a Variant of Uncertain Significance. Advanced modeling of protein sequence and biophysical properties (such as structural, functional, and spatial information, amino acid conservation, physicochemical variation, residue mobility, and thermodynamic stability) has been performed at Invitae for this missense variant, however the output from this modeling did not meet the statistical confidence thresholds required to predict the impact of this variant on SMAD4 protein function. ClinVar contains an entry for this variant (Variation ID: 1520056). This variant has not been reported in the literature in individuals affected with SMAD4-related conditions. This variant is not present in population databases (gnomAD no frequency). This sequence change replaces lysine, which is basic and polar, with threonine, which is neutral and polar, at codon 385 of the SMAD4 protein (p.Lys385Thr).